The following is an entry in ClinVar:

ClinVar aggregate classification (germline): Uncertain significance (1 of 4 stars; one submission).

Submission:

GeneDx
Classification: Uncertain significance. Last evaluated: 2023-07-26. Review status: criteria provided, single submitter. Criteria: GeneDx Variant Classification Process June 2021. Collection method: clinical testing. Allele origin: germline. Affected: yes.
Comment: Not observed at significant frequency in large population cohorts (gnomAD); In silico analysis supports that this missense variant has a deleterious effect on protein structure/function; Has not been previously published as pathogenic or benign to our knowledge

NM_001042681.2(RERE):c.4511C>T (p.Pro1504Leu)

Gene: RERE (arginine-glutamic acid dipeptide repeats; minus strand). Cytogenetic location: 1p36.23.
Variant type: single nucleotide variant.
Coding change: c.4511C>T on transcript NM_001042681.2 (MANE Select); coding-DNA position 4511, C replaced by T.
Protein change: p.Pro1504Leu; replaces proline 1504 with leucine.
Molecular consequence: missense variant.
Genome position (GRCh38, 1-based): chr1:8,355,575, G>A on the plus strand (C>T on the coding strand, the complement: RERE is on the minus strand). VCF-style: chr1-8355575-G-A. GRCh37 (hg19) VCF-style: chr1-8415635-G-A.
Other names: c.2849C>T, p.Pro950Leu (NM_001042682.2); c.4511C>T, p.Pro1504Leu (NM_012102.4); short protein forms P1504L, P950L.
Identifiers: ClinVar variation 3361546 (VCV003361546.1).